The following is an entry in ClinVar:

NC_000001.11:g.31065768C>G

Gene: PUM1 (pumilio RNA binding family member 1; minus strand). Cytogenetic location: 1p35.2.
Variant type: single nucleotide variant.
Genome position: GRCh38 VCF-style: chr1-31065768-C-G. GRCh37 (hg19) VCF-style: chr1-31538615-C-G.
Identifiers: ClinVar variation 3234478 (VCV003234478.20), dbSNP rs768522383, ClinGen allele CA20473899.

ClinVar aggregate classification (germline): Likely benign (1 of 4 stars; one submission).

Submission:

CeGaT Center for Human Genetics Tuebingen
Classification: Likely benign. Last evaluated: 2024-04-01. Review status: criteria provided, single submitter. Criteria: CeGaT Center For Human Genetics Tuebingen Variant Classification Criteria Version 2. Collection method: clinical testing. Allele origin: germline. Affected: yes. Observed: 1 variant allele.
Comment: PUM1: BP4, BP7